The following is an entry in ClinVar:

ClinVar aggregate classification (germline): Uncertain significance (1 of 4 stars; one submission).

Conditions:
RYR1-related disorder. Also called: RYR1-related condition; RYR1-related disorders. Identifiers: MedGen CN239331.

Allele frequency attached by ClinVar (database versions not stated): gnomAD 0.00001; TOPMed 0.00001.
gnomAD v4.1: 3 of 1,613,724 alleles (0.00019%); highest among the groups gnomAD compares: African/African-American, 0.004%; no homozygotes.

Submission:

Labcorp Genetics (formerly Invitae), Labcorp
Classification: Uncertain significance for RYR1-related disorder. Last evaluated: 2022-11-23. Review status: criteria provided, single submitter. Criteria: Invitae Variant Classification Sherloc (09022015). Collection method: clinical testing. Allele origin: germline.
Comment: In summary, the available evidence is currently insufficient to determine the role of this variant in disease. Therefore, it has been classified as a Variant of Uncertain Significance. Advanced modeling of protein sequence and biophysical properties (such as structural, functional, and spatial information, amino acid conservation, physicochemical variation, residue mobility, and thermodynamic stability) performed at Invitae indicates that this missense variant is expected to disrupt RYR1 protein function. This variant has not been reported in the literature in individuals affected with RYR1-related conditions. This variant is present in population databases (no rsID available, gnomAD 0.007%). This sequence change replaces proline, which is neutral and non-polar, with serine, which is neutral and polar, at codon 3697 of the RYR1 protein (p.Pro3697Ser).

NM_000540.3(RYR1):c.11089C>T (p.Pro3697Ser)

Gene: RYR1 (ryanodine receptor 1; plus strand). Cytogenetic location: 19q13.2.
Variant type: single nucleotide variant.
Coding change: c.11089C>T on transcript NM_000540.3 (MANE Select); coding-DNA position 11089, C replaced by T.
Protein change: p.Pro3697Ser; replaces proline 3697 with serine.
Molecular consequence: missense variant.
Genome position (GRCh38, 1-based): chr19:38,529,005, C>T. VCF-style: chr19-38529005-C-T. GRCh37 (hg19) VCF-style: chr19-39019645-C-T.
Other names: c.11074C>T, p.Pro3692Ser (NM_001042723.2); short protein forms P3697S, P3692S.
Identifiers: ClinVar variation 2892744 (VCV002892744.3), dbSNP rs758847105, ClinGen allele CA405650215.